The following is an entry in ClinVar:

NM_001080476.3(GRXCR1):c.231G>T (p.Gln77His)

Gene: GRXCR1 (glutaredoxin and cysteine rich domain containing 1; plus strand). Cytogenetic location: 4p13.
Variant type: single nucleotide variant.
Coding change: c.231G>T on transcript NM_001080476.3 (MANE Select); coding-DNA position 231, G replaced by T.
Protein change: p.Gln77His; replaces glutamine 77 with histidine.
Molecular consequence: missense variant.
Genome position (GRCh38, 1-based): chr4:42,893,497, G>T. VCF-style: chr4-42893497-G-T. GRCh37 (hg19) VCF-style: chr4-42895514-G-T.
Other names: short protein forms Q77H.
Identifiers: ClinVar variation 504593 (VCV000504593.13), dbSNP rs368876169, ClinGen allele CA96303249.

ClinVar aggregate classification (germline): Uncertain significance. Review status: criteria provided, multiple submitters, no conflicts (2 of 4 stars). 4 submissions from 4 submitters: Uncertain significance (4). Last evaluated 2024-10-22.

Allele frequency attached by ClinVar (database versions not stated): gnomAD exomes 0.00001; TOPMed 0.00001; gnomAD 0.00005; ESP Exome Variant Server 0.00008.
gnomAD v4.1: 15 of 1,613,768 alleles (0.00093%); highest among the groups gnomAD compares: African/African-American, 0.0067%; no homozygotes.

Submissions (4):

Labcorp Genetics (formerly Invitae), Labcorp
Classification: Uncertain significance. Last evaluated: 2024-10-22. Review status: criteria provided, single submitter. Criteria: Invitae Variant Classification Sherloc (09022015). Collection method: clinical testing. Allele origin: germline.
Comment: This sequence change replaces glutamine, which is neutral and polar, with histidine, which is basic and polar, at codon 77 of the GRXCR1 protein (p.Gln77His). This variant is present in population databases (rs368876169, gnomAD 0.008%). This variant has not been reported in the literature in individuals affected with GRXCR1-related conditions. ClinVar contains an entry for this variant (Variation ID: 504593). Invitae Evidence Modeling of protein sequence and biophysical properties (such as structural, functional, and spatial information, amino acid conservation, physicochemical variation, residue mobility, and thermodynamic stability) indicates that this missense variant is not expected to disrupt GRXCR1 protein function with a negative predictive value of 80%. In summary, the available evidence is currently insufficient to determine the role of this variant in disease. Therefore, it has been classified as a Variant of Uncertain Significance.

Blueprint Genetics
Classification: Uncertain significance. Last evaluated: 2024-10-02. Review status: criteria provided, single submitter. Criteria: ACMG Guidelines, 2015. Collection method: clinical testing. Allele origin: germline.

GeneDx
Classification: Uncertain significance. Last evaluated: 2024-08-19. Review status: criteria provided, single submitter. Criteria: GeneDx Variant Classification Process June 2021. Collection method: clinical testing. Allele origin: germline. Affected: yes.
Comment: In silico analysis indicates that this missense variant does not alter protein structure/function; Has not been previously published as pathogenic or benign to our knowledge

Laboratory for Molecular Medicine, Mass General Brigham Personalized Medicine
Classification: Uncertain significance. Last evaluated: 2016-06-09. Review status: criteria provided, single submitter. Criteria: LMM Criteria. Collection method: clinical testing. Allele origin: germline. Observed: 1 variant allele.
Comment: The p.Gln77His variant in GRXCR1 has not been previously reported in individuals with hearing loss. This variant has been identified in 1/4090 African American chromosomes by the NHLBI Exome Sequencing Project (EVS/; dbSNP rs368876169). Although this variant has been seen in the general pop ulation, its frequency is not high enough to rule out a pathogenic role. Computa tional prediction tools and conservation analyses suggest that this variant may not impact the protein, though this information is not predictive enough to rule out pathogenicity. In summary, the clinical significance of the p.Gln77His vari ant is uncertain.